The following is an entry in ClinVar:

ClinVar aggregate classification (germline): Uncertain significance (1 of 4 stars; one submission).

Conditions:
Sterile multifocal osteomyelitis with periostitis and pustulosis. Also called: CHRONIC RECURRENT MULTIFOCAL OSTEOMYELITIS 2, WITH PERIOSTITIS AND PUSTULOSIS. Identifiers: Orphanet 210115, MedGen C2748507, MONDO:0013021, OMIM 612852.

Allele frequency attached by ClinVar (database versions not stated): gnomAD exomes 0.00001; ExAC 0.00002; TOPMed 0.00004; gnomAD 0.00009; 1000 Genomes Project 30x 0.00016; 1000 Genomes Project 0.00020.
gnomAD v4.1: 21 of 1,614,266 alleles (0.0013%); highest among the groups gnomAD compares: African/African-American, 0.027%; no homozygotes.

Submission:

Labcorp Genetics (formerly Invitae), Labcorp
Classification: Uncertain significance for Sterile multifocal osteomyelitis with periostitis and pustulosis. Last evaluated: 2025-06-12. Review status: criteria provided, single submitter. Criteria: Invitae Variant Classification Sherloc (09022015). Collection method: clinical testing. Allele origin: germline.
Comment: This sequence change replaces threonine, which is neutral and polar, with isoleucine, which is neutral and non-polar, at codon 162 of the IL1RN protein (p.Thr162Ile). This variant is present in population databases (rs550154177, gnomAD 0.04%). This variant has not been reported in the literature in individuals affected with IL1RN-related conditions. ClinVar contains an entry for this variant (Variation ID: 1398201). An algorithm developed to predict the effect of missense changes on protein structure and function (PolyPhen-2) suggests that this variant is likely to be disruptive. In summary, the available evidence is currently insufficient to determine the role of this variant in disease. Therefore, it has been classified as a Variant of Uncertain Significance.

NM_173842.3(IL1RN):c.476C>T (p.Thr159Ile)

Gene: IL1RN (interleukin 1 receptor antagonist; plus strand). Cytogenetic location: 2q14.1.
Variant type: single nucleotide variant.
Coding change: c.476C>T on transcript NM_173842.3 (MANE Select); coding-DNA position 476, C replaced by T.
Protein change: p.Thr159Ile; replaces threonine 159 with isoleucine.
Molecular consequence: missense variant.
Genome position (GRCh38, 1-based): chr2:113,132,813, C>T. VCF-style: chr2-113132813-C-T. GRCh37 (hg19) VCF-style: chr2-113890390-C-T.
Other names: c.422C>T, p.Thr141Ile (NM_000577.5); c.374C>T, p.Thr125Ile (NM_001318914.2, NM_001379360.1, NM_173843.3); c.485C>T, p.Thr162Ile (NM_173841.3); short protein forms T125I, T159I, T141I, T162I.
Identifiers: ClinVar variation 1398201 (VCV001398201.4), dbSNP rs550154177, ClinGen allele CA1838911.